The following is an entry in ClinVar:

NM_006031.6(PCNT):c.6124C>T (p.Arg2042Cys)

Gene: PCNT (pericentrin; plus strand). Cytogenetic location: 21q22.3.
Variant type: single nucleotide variant.
Coding change: c.6124C>T on transcript NM_006031.6 (MANE Select); coding-DNA position 6124, C replaced by T.
Protein change: p.Arg2042Cys; replaces arginine 2042 with cysteine.
Molecular consequence: missense variant.
Genome position (GRCh38, 1-based): chr21:46,412,966, C>T. VCF-style: chr21-46412966-C-T. GRCh37 (hg19) VCF-style: chr21-47832880-C-T.
Other names: c.5770C>T, p.Arg1924Cys (NM_001315529.2); c.6124C>T (NM_006031.5); short protein forms R2042C, R1924C.
Identifiers: ClinVar variation 1356683 (VCV001356683.6), dbSNP rs751776662, ClinGen allele CA10080207.

ClinVar aggregate classification (germline): Uncertain significance. Review status: criteria provided, multiple submitters, no conflicts (2 of 4 stars). 2 submissions from 2 submitters: Uncertain significance (2). Last evaluated 2023-10-10.

Conditions:
Inborn genetic diseases. Identifiers: MedGen C0950123, MeSH D030342.

Allele frequency attached by ClinVar (database versions not stated): gnomAD 0.00001.
gnomAD v4.1: 20 of 1,607,906 alleles (0.0012%); highest among the groups gnomAD compares: Non-Finnish European, 0.0014%; no homozygotes.

Submissions (2):

Ambry Genetics
Classification: Uncertain significance for Inborn genetic diseases. Last evaluated: 2023-10-10. Review status: criteria provided, single submitter. Criteria: Ambry Variant Classification Scheme 2023. Collection method: clinical testing. Allele origin: germline.

Labcorp Genetics (formerly Invitae), Labcorp
Classification: Uncertain significance. Last evaluated: 2021-08-14. Review status: criteria provided, single submitter. Criteria: Invitae Variant Classification Sherloc (09022015). Collection method: clinical testing. Allele origin: germline.
Comment: This sequence change replaces arginine with cysteine at codon 2042 of the PCNT protein (p.Arg2042Cys). The arginine residue is weakly conserved and there is a large physicochemical difference between arginine and cysteine. This variant is present in population databases (rs751776662, ExAC 0.002%). This variant has not been reported in the literature in individuals affected with PCNT-related conditions. Algorithms developed to predict the effect of missense changes on protein structure and function output the following: SIFT: "Tolerated"; PolyPhen-2: "Benign"; Align-GVGD: "Class C0". The cysteine amino acid residue is found in multiple mammalian species, which suggests that this missense change does not adversely affect protein function. Algorithms developed to predict the effect of sequence changes on RNA splicing suggest that this variant may create or strengthen a splice site. In summary, the available evidence is currently insufficient to determine the role of this variant in disease. Therefore, it has been classified as a Variant of Uncertain Significance.